The following is an entry in ClinVar:

ClinVar aggregate classification (germline): Benign. Review status: criteria provided, multiple submitters, no conflicts (2 of 4 stars). 2 submissions from 2 submitters: Benign (2). Last evaluated 2024-01-24.

Submissions (2):

Unidad de Genómica Garrahan, Hospital de Pediatría Garrahan
Classification: Benign. Last evaluated: 2024-01-24. Review status: criteria provided, single submitter. Criteria: ACMG Guidelines, 2015. Collection method: clinical testing. Allele origin: germline. Affected: no. Observed: 66 variant alleles.
Comment: This variant is classified as Benign based on local population frequency. This variant was detected in 69% of patients studied by a panel of primary immunodeficiencies. Number of patients: 66. Only high quality variants are reported.

GeneDx
Classification: Benign. Last evaluated: 2021-06-18. Review status: criteria provided, single submitter. Criteria: GeneDx Variant Classification Process June 2021. Collection method: clinical testing. Allele origin: germline. Affected: yes.

NM_013314.4(BLNK):c.608-42TA[9]

Gene: BLNK (B cell linker; minus strand). Cytogenetic location: 10q24.1.
Variant type: Microsatellite.
Coding change: c.608-42TA[9] on transcript NM_013314.4 (MANE Select); nine copies in a row of the 2-base unit TA starting at c.608-42; the reference has ten copies in a row; one copy, 2 bases deleted.
Molecular consequence: intron variant.
Genome position (GRCh38, 1-based): chr10:96,215,412-96,215,413, TA deleted on the plus strand (TA on the coding strand, the reverse complement: BLNK is on the minus strand); deleting any 2 consecutive bases within chr10:96,215,412-96,215,431 gives the same sequence; the position shown is the placement nearest the transcript's 3' end. VCF-style (leftmost placement, unchanged base first): chr10-96215411-GTA-G. GRCh37 (hg19) VCF-style: chr10-97975167-GTA-G.
Other names: c.350-99TA[9] (NM_001258442.2); c.607+1222TA[9] (NM_001258441.2, NM_001114094.2); c.608-42TA[9] (NM_001258440.2).
Identifiers: ClinVar variation 1248928 (VCV001248928.4), dbSNP rs3835127, ClinGen allele CA5623392.